The following is an entry in ClinVar:

NM_000135.4(FANCA):c.1626+5T>A

Gene: FANCA (FA complementation group A; minus strand). Cytogenetic location: 16q24.3.
Variant type: single nucleotide variant.
Coding change: c.1626+5T>A on transcript NM_000135.4 (MANE Select); 5 bases into the intron after coding-DNA position 1626, T replaced by A.
Molecular consequence: intron variant.
Genome position (GRCh38, 1-based): chr16:89,782,854, A>T on the plus strand (T>A on the coding strand, the complement: FANCA is on the minus strand). VCF-style: chr16-89782854-A-T. GRCh37 (hg19) VCF-style: chr16-89849262-A-T.
Other names: c.1626+5T>A (NM_001286167.3).
Identifiers: ClinVar variation 1494168 (VCV001494168.6), dbSNP rs2143458841, ClinGen allele CA2573152777.

ClinVar aggregate classification (germline): Uncertain significance (1 of 4 stars; one submission).

Conditions:
Fanconi anemia (FA). Also called: Fanconi's anemia. Identifiers: Orphanet 84, MedGen C0015625, MeSH D005199, MONDO:0019391.

Submission:

Labcorp Genetics (formerly Invitae), Labcorp
Classification: Uncertain significance for Fanconi anemia. Last evaluated: 2022-02-02. Review status: criteria provided, single submitter. Criteria: Invitae Variant Classification Sherloc (09022015). Collection method: clinical testing. Allele origin: germline.
Comment: In summary, the available evidence is currently insufficient to determine the role of this variant in disease. Therefore, it has been classified as a Variant of Uncertain Significance. Variants that disrupt the consensus splice site are a relatively common cause of aberrant splicing (PMID: 17576681, 9536098). Algorithms developed to predict the effect of sequence changes on RNA splicing suggest that this variant is not likely to affect RNA splicing. This variant has not been reported in the literature in individuals affected with FANCA-related conditions. This variant is not present in population databases (gnomAD no frequency). This sequence change falls in intron 17 of the FANCA gene. It does not directly change the encoded amino acid sequence of the FANCA protein. It affects a nucleotide within the consensus splice site.

Literature cited by the submitters: PubMed 17576681; PubMed 9536098.